The following is an entry in ClinVar:

ClinVar aggregate classification (germline): Uncertain significance (1 of 4 stars; one submission).

Conditions:
Chromosome 2q32-q33 deletion syndrome (GLASS). Also called: Glass syndrome; 2q33.1 deletion syndrome. Identifiers: Orphanet 251019, MedGen C2676739, MONDO:0012864, OMIM 612313.

Submission:

Labcorp Genetics (formerly Invitae), Labcorp
Classification: Uncertain significance for Chromosome 2q32-q33 deletion syndrome. Last evaluated: 2022-10-24. Review status: criteria provided, single submitter. Criteria: Invitae Variant Classification Sherloc (09022015). Collection method: clinical testing. Allele origin: germline.
Comment: In summary, the available evidence is currently insufficient to determine the role of this variant in disease. Therefore, it has been classified as a Variant of Uncertain Significance. Advanced modeling of protein sequence and biophysical properties (such as structural, functional, and spatial information, amino acid conservation, physicochemical variation, residue mobility, and thermodynamic stability) performed at Invitae indicates that this missense variant is not expected to disrupt SATB2 protein function. ClinVar contains an entry for this variant (Variation ID: 1475244). This variant has not been reported in the literature in individuals affected with SATB2-related conditions. This variant is not present in population databases (gnomAD no frequency). This sequence change replaces arginine, which is basic and polar, with lysine, which is basic and polar, at codon 584 of the SATB2 protein (p.Arg584Lys).

NM_001172509.2(SATB2):c.1751G>A (p.Arg584Lys)

Genes: SATB2 (SATB homeobox 2; minus strand), LOC126806462 (MED14-independent group 3 enhancer GRCh37_chr2:200136608-200137807; plus strand). Cytogenetic location: 2q33.1.
Variant type: single nucleotide variant.
Coding change: c.1751G>A on transcript NM_001172509.2 (MANE Select); coding-DNA position 1751, G replaced by A.
Protein change: p.Arg584Lys; replaces arginine 584 with lysine.
Molecular consequence: missense variant.
Genome position (GRCh38, 1-based): chr2:199,272,662, C>T on the plus strand (G>A on the coding strand, the complement: SATB2 is on the minus strand). VCF-style: chr2-199272662-C-T. GRCh37 (hg19) VCF-style: chr2-200137385-C-T.
Other names: c.1751G>A, p.Arg584Lys (NM_001172517.1, NM_015265.4); short protein forms R584K.
Identifiers: ClinVar variation 1475244 (VCV001475244.6), dbSNP rs2105707604, ClinGen allele CA350386090.